The following is an entry in ClinVar:

NM_020458.4(TTC7A):c.412C>T (p.Arg138Ter)

Gene: TTC7A (tetratricopeptide repeat domain 7A; plus strand). Cytogenetic location: 2p21.
Variant type: single nucleotide variant.
Coding change: c.412C>T on transcript NM_020458.4 (MANE Select); coding-DNA position 412, C replaced by T.
Protein change: p.Arg138Ter; replaces arginine 138 with a stop codon.
Molecular consequence: nonsense. On other transcripts: 5 prime UTR variant (1).
Genome position (GRCh38, 1-based): chr2:46,956,902, C>T. VCF-style: chr2-46956902-C-T. GRCh37 (hg19) VCF-style: chr2-47184041-C-T.
Other names: c.412C>T, p.Arg138Ter (NM_001288951.2); c.310C>T, p.Arg104Ter (NM_001288953.2); c.-493C>T (NM_001288955.2); c.412C>T (NM_001288951.1); short protein forms R138*, R104*.
Identifiers: ClinVar variation 808740 (VCV000808740.45), dbSNP rs773754673, ClinGen allele CA346718684.

ClinVar aggregate classification (germline): Pathogenic/Likely pathogenic. Review status: criteria provided, multiple submitters, no conflicts (2 of 4 stars). 3 submissions from 3 submitters: Pathogenic (1); Likely pathogenic (2). Last evaluated 2025-11-25.

Conditions:
Gastrointestinal defects and immunodeficiency syndrome 1 (GIDID1). Also called: Combined immunodeficiency-enteropathy spectrum. Identifiers: Orphanet 436252, MedGen C5968858, MONDO:0800030, OMIM 243150.
Multiple gastrointestinal atresias. Also called: FAMILIAL INTESTINAL POLYATRESIA SYNDROME; Multiple intestinal atresia. Identifiers: Orphanet 2300, MedGen C0220744, MONDO:0009465.

Allele frequency attached by ClinVar (database versions not stated): gnomAD exomes below 0.00001.
gnomAD v4.1: 4 of 1,614,172 alleles (0.00025%); highest among the groups gnomAD compares: Non-Finnish European, 0.00025%; no homozygotes.

Submissions (3):

Labcorp Genetics (formerly Invitae), Labcorp
Classification: Pathogenic for Multiple gastrointestinal atresias. Last evaluated: 2025-11-25. Review status: criteria provided, single submitter. Criteria: Invitae Variant Classification Sherloc (09022015). Collection method: clinical testing. Allele origin: germline.
Comment: This sequence change creates a premature translational stop signal (p.Arg138*) in the TTC7A gene. It is expected to result in an absent or disrupted protein product. Loss-of-function variants in TTC7A are known to be pathogenic (PMID: 23830146, 24292712). This variant is present in population databases (no rsID available, gnomAD 0.003%). This premature translational stop signal has been observed in individual(s) with TTC7A-deficiency (PMID: 30553809). ClinVar contains an entry for this variant (Variation ID: 808740). For these reasons, this variant has been classified as Pathogenic.

Fulgent Genetics
Classification: Likely pathogenic for Gastrointestinal defects and immunodeficiency syndrome 1. Last evaluated: 2024-04-17. Review status: criteria provided, single submitter. Criteria: ACMG Guidelines, 2015. Collection method: clinical testing. Allele origin: germline.

CeGaT Center for Human Genetics Tuebingen
Classification: Likely pathogenic. Last evaluated: 2017-05-01. Review status: criteria provided, single submitter. Criteria: CeGaT Center For Human Genetics Tuebingen Variant Classification Criteria Version 2. Collection method: clinical testing. Allele origin: germline. Affected: yes. Observed: 1 variant allele.

Literature cited by the submitters: PubMed 23830146 (cited by Labcorp Genetics (formerly Invitae), Labcorp); PubMed 24292712 (cited by Labcorp Genetics (formerly Invitae), Labcorp); PubMed 30553809 (cited by Labcorp Genetics (formerly Invitae), Labcorp).